The following is an entry in ClinVar:

NM_001940.4(ATN1):c.3160C>A (p.His1054Asn)

Gene: ATN1 (atrophin 1; plus strand). Cytogenetic location: 12p13.31.
Variant type: single nucleotide variant.
Coding change: c.3160C>A on transcript NM_001940.4 (MANE Select); coding-DNA position 3160, C replaced by A.
Protein change: p.His1054Asn; replaces histidine 1054 with asparagine.
Molecular consequence: missense variant.
Genome position (GRCh38, 1-based): chr12:6,939,123, C>A. VCF-style: chr12-6939123-C-A. GRCh37 (hg19) VCF-style: chr12-7048286-C-A.
Other names: c.3160C>A, p.His1054Asn (NM_001007026.2); short protein forms H1054N.
Identifiers: ClinVar variation 487496 (VCV000487496.2), dbSNP rs1555144357, ClinGen allele CA383741236.

ClinVar aggregate classification (germline): Pathogenic. Review status: no assertion criteria provided (0 of 4 stars). 2 submissions from 2 submitters: Pathogenic (2). Last evaluated 2019-07-12.

Conditions:
Congenital ATN1 related disorder.
Congenital hypotonia, epilepsy, developmental delay, and digital anomalies (CHEDDA). Also called: ATN1-Related Neurodevelopmental Disorder. Identifiers: MedGen C5193125, MONDO:0032781, OMIM 618494.

Submissions (2):

OMIM
Classification: Pathogenic for CONGENITAL HYPOTONIA, EPILEPSY, DEVELOPMENTAL DELAY, AND DIGITAL ANOMALIES. Last evaluated: 2019-07-12. Review status: no assertion criteria provided. Collection method: literature only. Allele origin: germline.

Sydney Children's Hospital, SCHN
Classification: Pathogenic for Congenital ATN1 related disorder. Last evaluated: 2018-01-04. Review status: no assertion criteria provided. Collection method: clinical testing. Allele origin: de novo. Affected: yes.

Literature cited by the submitters: PubMed 30827498 (cited by OMIM).